The following is an entry in ClinVar:

NM_002435.3(MPI):c.44del (p.Gln15fs)

Gene: MPI (mannose phosphate isomerase; plus strand). Cytogenetic location: 15q24.1.
Variant type: Deletion.
Coding change: c.44del on transcript NM_002435.3 (MANE Select); coding-DNA position 44, one base deleted (A; older notation c.44delA).
Protein change: p.Gln15fs; shifts the reading frame from glutamine 15.
Molecular consequence: frameshift variant. On other transcripts: 5 prime UTR variant (1), intron variant (1).
Genome position (GRCh38, 1-based): chr15:74,890,554, A deleted. VCF-style (leftmost placement, unchanged base first): chr15-74890553-CA-C. GRCh37 (hg19) VCF-style: chr15-75182894-CA-C.
Other names: c.44del, p.Gln15fs (NM_001289155.2, NM_001289157.2); c.-17del (NM_001330372.2); c.-7+465del (NM_001289156.2); short protein forms Q15fs.
Identifiers: ClinVar variation 2837872 (VCV002837872.3), dbSNP rs2505811190, ClinGen allele CA2739269568.
Genomic context (GRCh38, chr15:74,890,553, plus strand): 5'-GTGGAGTGGCAGCTGACCCTGTCTGTGCCCCTAGTATTCCCACTTTCCTGTGCGGTGCAG[CA>C]GTATGCCTGGGGGAAGATGGGTTCCAACAGCGAAGTGGCGCGGCTGTTGGCCAGCAGTGA-3'

ClinVar aggregate classification (germline): Pathogenic (1 of 4 stars; one submission).

Conditions:
MPI-congenital disorder of glycosylation. Also called: MPI-CDG; CONGENITAL DISORDER OF GLYCOSYLATION, TYPE Ib; MPI DEFICIENCY; CDG Ib; MANNOSEPHOSPHATE ISOMERASE DEFICIENCY; PROTEIN-LOSING ENTEROPATHY-HEPATIC FIBROSIS SYNDROME. Identifiers: Orphanet 79319, MedGen C1865145, MONDO:0011257, OMIM 602579.

Submission:

Labcorp Genetics (formerly Invitae), Labcorp
Classification: Pathogenic for MPI-congenital disorder of glycosylation. Last evaluated: 2023-12-17. Review status: criteria provided, single submitter. Criteria: Invitae Variant Classification Sherloc (09022015). Collection method: clinical testing. Allele origin: germline.
Comment: This sequence change creates a premature translational stop signal (p.Gln15Argfs*57) in the MPI gene. It is expected to result in an absent or disrupted protein product. Loss-of-function variants in MPI are known to be pathogenic (PMID: 19862844). This variant is not present in population databases (gnomAD no frequency). This variant has not been reported in the literature in individuals affected with MPI-related conditions. For these reasons, this variant has been classified as Pathogenic.

Literature cited by the submitters: PubMed 19862844.